The following is an entry in ClinVar:

ClinVar aggregate classification (germline): Likely pathogenic (1 of 4 stars; one submission).

Submission:

ARUP Laboratories, Molecular Genetics and Genomics, ARUP Laboratories
Classification: Likely pathogenic. Last evaluated: 2025-02-07. Review status: criteria provided, single submitter. Criteria: ARUP Molecular Germline Variant Investigation Process 2024. Collection method: clinical testing. Allele origin: germline.
Comment: The TERT c.521_522insACGGGCCGCC; p.Leu175ArgfsTer20 variant, to our knowledge, is not reported in the medical literature or gene specific databases. This variant is also absent from the Genome Aggregation Database (v2.1.1), indicating it is not a common polymorphism. This variant causes a frameshift by inserting 10 nucleotides, so it is predicted to result in a truncated protein or mRNA subject to nonsense-mediated decay. Based on available information, this variant is considered to be likely pathogenic.

NM_198253.3(TERT):c.521_522insACGGGCCGCC (p.Leu175fs)

Gene: TERT (telomerase reverse transcriptase; minus strand). Cytogenetic location: 5p15.33.
Variant type: Microsatellite.
Coding change: c.521_522insACGGGCCGCC on transcript NM_198253.3 (MANE Select); coding-DNA positions 521 to 522, ACGGGCCGCC inserted.
Protein change: p.Leu175fs; shifts the reading frame from leucine 175.
Molecular consequence: frameshift variant. On other transcripts: non-coding transcript variant (2).
Genome position: GRCh38 VCF-style: chr5-1294364-C-CGGCGGCCCGT. GRCh37 (hg19) VCF-style: chr5-1294479-C-CGGCGGCCCGT.
Other names: c.521_522insACGGGCCGCC, p.Leu175fs (NM_001193376.3); short protein forms L175fs.
Identifiers: ClinVar variation 3766592 (VCV003766592.2).